The following is an entry in ClinVar:

NM_004329.3(BMPR1A):c.202C>A (p.Pro68Thr)

Gene: BMPR1A (bone morphogenetic protein receptor type 1A; plus strand). Cytogenetic location: 10q23.2.
Variant type: single nucleotide variant.
Coding change: c.202C>A on transcript NM_004329.3 (MANE Select); coding-DNA position 202, C replaced by A.
Protein change: p.Pro68Thr; replaces proline 68 with threonine.
Molecular consequence: missense variant.
Genome position (GRCh38, 1-based): chr10:86,890,196, C>A. VCF-style: chr10-86890196-C-A. GRCh37 (hg19) VCF-style: chr10-88649953-C-A.
Other names: short protein forms P68T.
Identifiers: ClinVar variation 820556 (VCV000820556.4), dbSNP rs1589763452, ClinGen allele CA377447107.

ClinVar aggregate classification (germline): Uncertain significance (1 of 4 stars; one submission).

Conditions:
Hereditary cancer-predisposing syndrome. Also called: Neoplastic Syndromes, Hereditary; Tumor predisposition; Hereditary Cancer Syndrome; Hereditary neoplastic syndrome. Identifiers: Orphanet 140162, MedGen C0027672, MeSH D009386, MONDO:0015356.

Submission:

Ambry Genetics
Classification: Uncertain significance for Hereditary cancer-predisposing syndrome. Last evaluated: 2018-06-29. Review status: criteria provided, single submitter. Criteria: Ambry Variant Classification Scheme 2023. Collection method: clinical testing. Allele origin: germline.
Comment: The p.P68T variant (also known as c.202C>A), located in coding exon 2 of the BMPR1A gene, results from a C to A substitution at nucleotide position 202. The proline at codon 68 is replaced by threonine, an amino acid with highly similar properties. This amino acid position is highly conserved in available vertebrate species. In addition, this alteration is predicted to be deleterious by in silico analysis. Since supporting evidence is limited at this time, the clinical significance of this alteration remains unclear.